The following is an entry in ClinVar:

NM_014053.4(FLVCR1):c.1409C>T (p.Ala470Val)

Gene: FLVCR1 (FLVCR choline and heme transporter 1; plus strand). Cytogenetic location: 1q32.3.
Variant type: single nucleotide variant.
Coding change: c.1409C>T on transcript NM_014053.4 (MANE Select); coding-DNA position 1409, C replaced by T.
Protein change: p.Ala470Val; replaces alanine 470 with valine.
Molecular consequence: missense variant.
Genome position (GRCh38, 1-based): chr1:212,888,590, C>T. VCF-style: chr1-212888590-C-T. GRCh37 (hg19) VCF-style: chr1-213061932-C-T.
Other names: short protein forms A470V.
Identifiers: ClinVar variation 847537 (VCV000847537.10), dbSNP rs1665115810, ClinGen allele CA344793536.

ClinVar aggregate classification (germline): Uncertain significance. Review status: criteria provided, multiple submitters, no conflicts (2 of 4 stars). 2 submissions from 2 submitters: Uncertain significance (2). Last evaluated 2020-02-11.

Submissions (2):

Labcorp Genetics (formerly Invitae), Labcorp
Classification: Uncertain significance. Last evaluated: 2020-02-11. Review status: criteria provided, single submitter. Criteria: Invitae Variant Classification Sherloc (09022015). Collection method: clinical testing. Allele origin: germline.
Comment: In summary, the available evidence is currently insufficient to determine the role of this variant in disease. Therefore, it has been classified as a Variant of Uncertain Significance. Algorithms developed to predict the effect of missense changes on protein structure and function are either unavailable or do not agree on the potential impact of this missense change (SIFT: "Deleterious"; PolyPhen-2: "Possibly Damaging"; Align-GVGD: "Class C0"). This variant has not been reported in the literature in individuals with FLVCR1-related conditions. This variant is not present in population databases (ExAC no frequency). This sequence change replaces alanine with valine at codon 470 of the FLVCR1 protein (p.Ala470Val). The alanine residue is highly conserved and there is a small physicochemical difference between alanine and valine.

Blueprint Genetics
Classification: Uncertain significance. Last evaluated: 2018-07-05. Review status: criteria provided, single submitter. Criteria: ACMG Guidelines, 2015. Collection method: clinical testing. Allele origin: germline.